The following is an entry in ClinVar:

NM_001127222.2(CACNA1A):c.839C>T (p.Thr280Ile)

Gene: CACNA1A (calcium voltage-gated channel subunit alpha1 A; minus strand). Cytogenetic location: 19p13.13.
Variant type: single nucleotide variant.
Coding change: c.839C>T on transcript NM_001127222.2 (MANE Select); coding-DNA position 839, C replaced by T.
Protein change: p.Thr280Ile; replaces threonine 280 with isoleucine.
Molecular consequence: missense variant.
Genome position (GRCh38, 1-based): chr19:13,359,745, G>A on the plus strand (C>T on the coding strand, the complement: CACNA1A is on the minus strand). VCF-style: chr19-13359745-G-A. GRCh37 (hg19) VCF-style: chr19-13470559-G-A.
Other names: c.839C>T, p.Thr280Ile (NM_000068.4, NM_001127221.2, NM_001174080.2 and 1 more transcripts); short protein forms T280I.
Identifiers: ClinVar variation 1254164 (VCV001254164.7), dbSNP rs1195270312, ClinGen allele CA404347314.

ClinVar aggregate classification (germline): Uncertain significance. Review status: criteria provided, multiple submitters, no conflicts (2 of 4 stars). 2 submissions from 2 submitters: Uncertain significance (2). Last evaluated 2023-10-18.

Conditions:
Episodic ataxia type 2 (EA2). Also called: ATAXIA, EPISODIC, WITH NYSTAGMUS; ATAXIA, FAMILIAL PAROXYSMAL; CEREBELLAR ATAXIA, PAROXYSMAL, ACETAZOLAMIDE-RESPONSIVE; CEREBELLOPATHY, HEREDITARY PAROXYSMAL; EPISODIC ATAXIA, NYSTAGMUS-ASSOCIATED; ACETAZOLAMIDE-RESPONSIVE HEREDITARY PAROXYSMAL CEREBELLAR ATAXIA. Identifiers: Orphanet 97, MedGen C1720416, MONDO:0007163, OMIM 108500.
Developmental and epileptic encephalopathy, 42 (DEE42A). Also called: Epileptic encephalopathy, early infantile, 42; DEVELOPMENTAL AND EPILEPTIC ENCEPHALOPATHY 42A; EPILEPTIC ENCEPHALOPATHY, EARLY INFANTILE, 42A. Identifiers: MedGen C4310716, MONDO:0014917, OMIM 617106.

Allele frequency attached by ClinVar (database versions not stated): TOPMed below 0.00001; gnomAD 0.00001; gnomAD exomes 0.00001.
gnomAD v4.1: 8 of 1,564,398 alleles (0.00051%); highest among the groups gnomAD compares: African/African-American, 0.0014%; no homozygotes.

Submissions (2):

Labcorp Genetics (formerly Invitae), Labcorp
Classification: Uncertain significance for Developmental and epileptic encephalopathy, 42; Episodic ataxia type 2. Last evaluated: 2023-10-18. Review status: criteria provided, single submitter. Criteria: Invitae Variant Classification Sherloc (09022015). Collection method: clinical testing. Allele origin: germline.
Comment: This sequence change replaces threonine, which is neutral and polar, with isoleucine, which is neutral and non-polar, at codon 280 of the CACNA1A protein (p.Thr280Ile). This variant is not present in population databases (gnomAD no frequency). This variant has not been reported in the literature in individuals affected with CACNA1A-related conditions. ClinVar contains an entry for this variant (Variation ID: 1254164). Advanced modeling of protein sequence and biophysical properties (such as structural, functional, and spatial information, amino acid conservation, physicochemical variation, residue mobility, and thermodynamic stability) performed at Invitae indicates that this missense variant is not expected to disrupt CACNA1A protein function. In summary, the available evidence is currently insufficient to determine the role of this variant in disease. Therefore, it has been classified as a Variant of Uncertain Significance.

GeneDx
Classification: Uncertain significance. Last evaluated: 2021-07-12. Review status: criteria provided, single submitter. Criteria: GeneDx Variant Classification Process June 2021. Collection method: clinical testing. Allele origin: germline. Affected: yes.
Comment: Has not been previously published as pathogenic or benign to our knowledge; Not observed at significant frequency in large population cohorts (Lek et al., 2016); In silico analysis, which includes protein predictors and evolutionary conservation, supports that this variant does not alter protein structure/function; This variant is associated with the following publications: (PMID: 27535533)